The following is an entry in ClinVar:

NM_003200.5(TCF3):c.72+3G>A

Gene: TCF3 (transcription factor 3; minus strand). Cytogenetic location: 19p13.3.
Variant type: single nucleotide variant.
Coding change: c.72+3G>A on transcript NM_003200.5 (MANE Select); 3 bases into the intron after coding-DNA position 72, G replaced by A.
Molecular consequence: intron variant.
Genome position (GRCh38, 1-based): chr19:1,650,174, C>T on the plus strand (G>A on the coding strand, the complement: TCF3 is on the minus strand). VCF-style: chr19-1650174-C-T. GRCh37 (hg19) VCF-style: chr19-1650173-C-T.
Other names: c.72+3G>A (NM_001351778.2, NM_001136139.4, NM_001351779.2).
Identifiers: ClinVar variation 4777899 (VCV004777899.1).
Genomic context (GRCh38, chr19:1,650,174, plus strand): 5'-AAACCTTCCCGTGAACTGTGGAGGCAAAGGGGTGTCGGGGGCTGGGCGGGGGTCCTGGCT[C>T]ACCATGCTGAAGTCCAGGAGGTCACTGAGCTCCTTGTCTGTGCCCACAGGCGCCATCCTC-3'

ClinVar aggregate classification (germline): Uncertain significance (1 of 4 stars; one submission).

gnomAD v4.1: 45 of 1,566,852 alleles (0.0029%); highest among the groups gnomAD compares: Non-Finnish European, 0.0036%; no homozygotes.

Submission:

Labcorp Genetics (formerly Invitae), Labcorp
Classification: Uncertain significance. Last evaluated: 2026-01-28. Review status: criteria provided, single submitter. Criteria: Invitae Variant Classification Sherloc (09022015). Collection method: clinical testing. Allele origin: germline.
Comment: This sequence change falls in intron 2 of the TCF3 gene. It does not directly change the encoded amino acid sequence of the TCF3 protein. It affects a nucleotide within the consensus splice site. This variant is present in population databases (rs369855180, gnomAD 0.006%). This variant has not been reported in the literature in individuals affected with TCF3-related conditions. Variants that disrupt the consensus splice site are a relatively common cause of aberrant splicing (PMID: 17576681, 9536098). Algorithms developed to predict the effect of sequence changes on RNA splicing suggest that this variant is not likely to affect RNA splicing. In summary, the available evidence is currently insufficient to determine the role of this variant in disease. Therefore, it has been classified as a Variant of Uncertain Significance.

Literature cited by the submitters: PubMed 17576681; PubMed 9536098.